The following is an entry in ClinVar:

ClinVar aggregate classification (germline): Uncertain significance (1 of 4 stars; one submission).

gnomAD v4.1: 4 of 1,612,962 alleles (0.00025%); highest among the groups gnomAD compares: East Asian, 0.0022%; no homozygotes.

Submission:

Greenwood Genetic Center Diagnostic Laboratories, Greenwood Genetic Center
Classification: Uncertain significance. Last evaluated: 2025-10-20. Review status: criteria provided, single submitter. Criteria: ACMG Guidelines, 2015. Collection method: clinical testing. Allele origin: germline. Affected: yes.
Comment: PM2

NM_015466.4(PTPN23):c.3643C>T (p.Arg1215Cys)

Gene: PTPN23 (protein tyrosine phosphatase non-receptor type 23; plus strand). Cytogenetic location: 3p21.31.
Variant type: single nucleotide variant.
Coding change: c.3643C>T on transcript NM_015466.4 (MANE Select); coding-DNA position 3643, C replaced by T.
Protein change: p.Arg1215Cys; replaces arginine 1215 with cysteine.
Molecular consequence: missense variant.
Genome position (GRCh38, 1-based): chr3:47,411,441, C>T. VCF-style: chr3-47411441-C-T. GRCh37 (hg19) VCF-style: chr3-47452931-C-T.
Other names: c.3265C>T, p.Arg1089Cys (NM_001304482.2); short protein forms R1089C, R1215C.
Identifiers: ClinVar variation 4845582 (VCV004845582.1).